The following is an entry in ClinVar:

ClinVar aggregate classification (germline): Uncertain significance (1 of 4 stars; one submission).

Submission:

Labcorp Genetics (formerly Invitae), Labcorp
Classification: Uncertain significance. Last evaluated: 2022-10-17. Review status: criteria provided, single submitter. Criteria: Invitae Variant Classification Sherloc (09022015). Collection method: clinical testing. Allele origin: germline.
Comment: Algorithms developed to predict the effect of missense changes on protein structure and function (SIFT, PolyPhen-2, Align-GVGD) all suggest that this variant is likely to be disruptive. ClinVar contains an entry for this variant (Variation ID: 1360464). This variant has not been reported in the literature in individuals affected with PRDM13-related conditions. This variant is not present in population databases (gnomAD no frequency). This sequence change replaces glycine, which is neutral and non-polar, with arginine, which is basic and polar, at codon 587 of the PRDM13 protein (p.Gly587Arg). In summary, the available evidence is currently insufficient to determine the role of this variant in disease. Therefore, it has been classified as a Variant of Uncertain Significance.

NM_021620.4(PRDM13):c.1759G>A (p.Gly587Arg)

Gene: PRDM13 (PR/SET domain 13; plus strand). Cytogenetic location: 6q16.2.
Variant type: single nucleotide variant.
Coding change: c.1759G>A on transcript NM_021620.4 (MANE Select); coding-DNA position 1759, G replaced by A.
Protein change: p.Gly587Arg; replaces glycine 587 with arginine.
Molecular consequence: missense variant.
Genome position (GRCh38, 1-based): chr6:99,614,394, G>A. VCF-style: chr6-99614394-G-A. GRCh37 (hg19) VCF-style: chr6-100062270-G-A.
Other names: short protein forms G587R.
Identifiers: ClinVar variation 1360464 (VCV001360464.6), dbSNP rs2114501502, ClinGen allele CA365121401.